The following is an entry in ClinVar:

ClinVar aggregate classification (germline): Conflicting classifications of pathogenicity. Review status: criteria provided, conflicting classifications (1 of 4 stars). 4 submissions from 4 submitters: Uncertain significance (3); Benign (1). Last evaluated 2026-02-25.

Conditions:
Familial thoracic aortic aneurysm and aortic dissection (TAAD). Also called: Thoracic aortic aneurysms and dissections. Identifiers: Orphanet 91387, MedGen C4707243, MONDO:0019625.
Heterotopia, periventricular, X-linked dominant (PVNH1). Also called: PERIVENTRICULAR NODULAR HETEROTOPIA 4; HETEROTOPIA, PERIVENTRICULAR, 1; PERIVENTRICULAR NODULAR HETEROTOPIA 1; X-linked periventricular heterotopia. Identifiers: Orphanet 2149, Orphanet 82004, MedGen C1848213, MONDO:0010233, OMIM 300049.
Oto-palato-digital syndrome, type II (OPD2). Also called: Otopalatodigital Syndrome, Type II; FACIOPALATOOSSEOUS SYNDROME; OPD II SYNDROME; Otopalatodigital Syndrome Type 2 (FLNA-OPD2). Identifiers: Orphanet 669, Orphanet 90652, MedGen C1844696, MONDO:0010571, OMIM 304120.
Melnick-Needles syndrome (MNS). Also called: MELNICK-NEEDLES OSTEODYSPLASTY; OSTEODYSPLASTY OF MELNICK AND NEEDLES; Melnick-Needles Syndrome (FLNA-MNS). Identifiers: Orphanet 2484, MedGen C0025237, MONDO:0010650, OMIM 309350.
Frontometaphyseal dysplasia (FMD1). Identifiers: Orphanet 1826, MedGen C0265293, MONDO:0015942.

Allele frequency attached by ClinVar (database versions not stated): TOPMed below 0.00001; gnomAD exomes 0.00001.
gnomAD v4.1: 11 of 1,210,945 alleles (0.00091%); highest among the groups gnomAD compares: South Asian, 0.0018%; no homozygotes.

Submissions (7):

Ambry Genetics
Classification: Uncertain significance for Familial thoracic aortic aneurysm and aortic dissection. Last evaluated: 2026-02-25. Review status: criteria provided, single submitter. Criteria: Ambry Variant Classification Scheme 2023. Collection method: clinical testing. Allele origin: germline.

GeneDx
Classification: Uncertain significance. Last evaluated: 2025-06-04. Review status: criteria provided, single submitter. Criteria: GeneDx Variant Classification Process June 2021. Collection method: clinical testing. Allele origin: germline. Affected: yes.
Comment: In silico analysis supports that this missense variant has a deleterious effect on protein structure/function; Has not been previously published as pathogenic or benign to our knowledge; In silico analysis suggests this variant may impact gene splicing. In the absence of RNA/functional studies, the actual effect of this sequence change is unknown.

Labcorp Genetics (formerly Invitae), Labcorp
Classification: Benign for Oto-palato-digital syndrome, type II; Heterotopia, periventricular, X-linked dominant; Frontometaphyseal dysplasia; Melnick-Needles syndrome. Last evaluated: 2024-11-13. Review status: criteria provided, single submitter. Criteria: Invitae Variant Classification Sherloc (09022015). Collection method: clinical testing. Allele origin: germline.

Breakthrough Genomics
Classification: Uncertain significance. Review status: criteria provided, single submitter. Criteria: ACMG Guidelines, 2015. Collection method: not provided. Allele origin: germline. Inheritance: X-linked inheritance. Affected: yes.

Dr. Peter K. Rogan Lab, Western University
No classification provided (evidence only). Condition: Thyroid cancer, nonmedullary, 1. Review status: no classification provided. Collection method: in vitro. Allele origin: not applicable. Functional consequence: retained intron. Not counted in ClinVar's aggregate classification.

Dr. Peter K. Rogan Lab, Western University
No classification provided (evidence only). Condition: Thyroid cancer, nonmedullary, 1. Review status: no classification provided. Collection method: in vitro. Allele origin: not applicable. Functional consequence: retained intron. Not counted in ClinVar's aggregate classification.

Dr. Peter K. Rogan Lab, Western University
No classification provided (evidence only). Condition: Thyroid cancer, nonmedullary, 1. Review status: no classification provided. Collection method: in vitro. Allele origin: not applicable. Functional consequence: retained intron. Not counted in ClinVar's aggregate classification.

NM_001110556.2(FLNA):c.4070G>A (p.Arg1357Gln)

Gene: FLNA (filamin A; minus strand). Cytogenetic location: Xq28.
Variant type: single nucleotide variant.
Coding change: c.4070G>A on transcript NM_001110556.2 (MANE Select); coding-DNA position 4070, G replaced by A.
Protein change: p.Arg1357Gln; replaces arginine 1357 with glutamine.
Molecular consequence: missense variant.
Genome position (GRCh38, 1-based): chrX:154,359,556, C>T on the plus strand (G>A on the coding strand, the complement: FLNA is on the minus strand). VCF-style: chrX-154359556-C-T. GRCh37 (hg19) VCF-style: chrX-153587924-C-T.
Other names: c.4070G>A, p.Arg1357Gln (NM_001456.4); short protein forms R1357Q.
Identifiers: ClinVar variation 641236 (VCV000641236.14), dbSNP rs782490288, ClinGen allele CA10560603.